The following is an entry in ClinVar:

NM_001385012.1(NBEA):c.8791A>G (p.Met2931Val)

Gene: NBEA (neurobeachin; plus strand). Cytogenetic location: 13q13.3.
Variant type: single nucleotide variant.
Coding change: c.8791A>G on transcript NM_001385012.1 (MANE Select); coding-DNA position 8791, A replaced by G.
Protein change: p.Met2931Val; replaces methionine 2931 with valine.
Molecular consequence: missense variant.
Genome position (GRCh38, 1-based): chr13:35,668,497, A>G. VCF-style: chr13-35668497-A-G. GRCh37 (hg19) VCF-style: chr13-36242634-A-G.
Other names: c.2107A>G, p.Met703Val (NM_001204197.3); c.8782A>G, p.Met2928Val (NM_001379245.1); c.8728A>G, p.Met2910Val (NM_015678.5); short protein forms M2910V, M2928V, M2931V, M703V.
Identifiers: ClinVar variation 2635860 (VCV002635860.1), dbSNP rs1332444081, ClinGen allele CA387843397.

ClinVar aggregate classification (germline): Uncertain significance (1 of 4 stars; one submission).

Conditions:
NBEA-related disorder. Also called: NBEA-related condition.

Allele frequency attached by ClinVar (database versions not stated): gnomAD exomes below 0.00001.
gnomAD v4.1: 1 of 1,610,028 alleles (0.000062%); highest among the groups gnomAD compares: South Asian, 0.0011%; no homozygotes.

Submission:

PreventionGenetics, part of Exact Sciences
Classification: Uncertain significance for NBEA-related condition. Last evaluated: 2023-08-23. Review status: criteria provided, single submitter. Criteria: ACMG Guidelines, 2015. Collection method: clinical testing. Allele origin: germline.
Comment: The NBEA c.8728A>G variant is predicted to result in the amino acid substitution p.Met2910Val. To our knowledge, this variant has not been reported in the literature. This variant is reported in 0.0034% of alleles in individuals of South Asian descent in gnomAD. At this time, the clinical significance of this variant is uncertain due to the absence of conclusive functional and genetic evidence.